The following is an entry in ClinVar:

ClinVar aggregate classification (germline): Uncertain significance (1 of 4 stars; one submission).

Conditions:
Developmental and epileptic encephalopathy. Identifiers: MedGen C5779964, MONDO:0100620.

Submission:

Labcorp Genetics (formerly Invitae), Labcorp
Classification: Uncertain significance for Early-infantile DEE. Last evaluated: 2022-02-04. Review status: criteria provided, single submitter. Criteria: Invitae Variant Classification Sherloc (09022015). Collection method: clinical testing. Allele origin: germline.
Comment: This sequence change replaces proline, which is neutral and non-polar, with serine, which is neutral and polar, at codon 245 of the SLC25A22 protein (p.Pro245Ser). This variant is not present in population databases (gnomAD no frequency). This variant has not been reported in the literature in individuals affected with SLC25A22-related conditions. Algorithms developed to predict the effect of missense changes on protein structure and function (SIFT, PolyPhen-2, Align-GVGD) all suggest that this variant is likely to be disruptive. In summary, the available evidence is currently insufficient to determine the role of this variant in disease. Therefore, it has been classified as a Variant of Uncertain Significance.

NM_001191061.2(SLC25A22):c.733C>T (p.Pro245Ser)

Gene: SLC25A22 (solute carrier family 25 member 22; minus strand). Cytogenetic location: 11p15.5.
Variant type: single nucleotide variant.
Coding change: c.733C>T on transcript NM_001191061.2 (MANE Select); coding-DNA position 733, C replaced by T.
Protein change: p.Pro245Ser; replaces proline 245 with serine.
Molecular consequence: missense variant.
Genome position (GRCh38, 1-based): chr11:792,313, G>A on the plus strand (C>T on the coding strand, the complement: SLC25A22 is on the minus strand). VCF-style: chr11-792313-G-A. GRCh37 (hg19) VCF-style: chr11-792313-G-A.
Other names: c.733C>T, p.Pro245Ser (NM_001191060.2, NM_024698.6); short protein forms P245S.
Identifiers: ClinVar variation 2092803 (VCV002092803.1), dbSNP rs2494987034, ClinGen allele CA378968587.
Genomic context (GRCh38, chr11:792,313, plus strand): 5'-AAGGGCTCAGTCCCGCCCCATCCCCAGCCGGGCGCCATCCCATGCACTGACCATCACAGG[G>A]GTTGACGGCCACAGCGGCGGCACTCCCAGCCACACAGCCGGCCAGGAAGGACACGTAGAA-3'
Protein context (NP_001177990.1, residues 235-255): AGSAAAVAVN[Pro245Ser]CDVVKTRLQS